The following is an entry in ClinVar:

ClinVar aggregate classification (germline): Likely benign (1 of 4 stars; one submission).

gnomAD v4.1: 1 of 1,614,070 alleles (0.000062%); highest among the groups gnomAD compares: Non-Finnish European, 0.000085%; no homozygotes.

Submission:

CeGaT Center for Human Genetics Tuebingen
Classification: Likely benign. Last evaluated: 2026-07-01. Review status: criteria provided, single submitter. Criteria: CeGaT Center For Human Genetics Tuebingen Variant Classification Criteria Version 2. Collection method: clinical testing. Allele origin: germline. Affected: yes. Observed: 1 variant allele.
Comment: FAT4: BP4, BP7

NM_001291303.3(FAT4):c.14391C>T (p.Leu4797=)

Gene: FAT4 (FAT atypical cadherin 4; plus strand). Cytogenetic location: 4q28.1.
Variant type: single nucleotide variant.
Coding change: c.14391C>T on transcript NM_001291303.3 (MANE Select); coding-DNA position 14391, C replaced by T.
Protein change: p.Leu4797=; no amino-acid change (leucine 4797 retained).
Molecular consequence: synonymous variant.
Genome position (GRCh38, 1-based): chr4:125,491,207, C>T. VCF-style: chr4-125491207-C-T. GRCh37 (hg19) VCF-style: chr4-126412362-C-T.
Other names: c.14388C>T, p.Leu4796= (NM_001291285.3, NM_001438397.1); c.9162C>T, p.Leu3054= (NM_001437895.1); c.14391C>T, p.Leu4797= (NM_001438396.1); c.14385C>T, p.Leu4795= (NM_024582.6).
Identifiers: ClinVar variation 5040263 (VCV005040263.1).